The following is an entry in ClinVar:

ClinVar aggregate classification (germline): Likely benign. Review status: criteria provided, multiple submitters, no conflicts (2 of 4 stars). 3 submissions from 3 submitters: Likely benign (3). Last evaluated 2023-10-01.

Conditions:
Inborn genetic diseases. Identifiers: MedGen C0950123, MeSH D030342.

Allele frequency attached by ClinVar (database versions not stated): ESP Exome Variant Server 0.00015; ExAC 0.00018; gnomAD exomes 0.00019 and 0.00029; gnomAD 0.00033; TOPMed 0.00034.
gnomAD v4.1: 353 of 1,614,224 alleles (0.022%); highest among the groups gnomAD compares: Middle Eastern, 0.23%; 1 homozygote.

Submissions (3):

CeGaT Center for Human Genetics Tuebingen
Classification: Likely benign. Last evaluated: 2023-10-01. Review status: criteria provided, single submitter. Criteria: CeGaT Center For Human Genetics Tuebingen Variant Classification Criteria Version 2. Collection method: clinical testing. Allele origin: germline. Affected: yes. Observed: 2 variant alleles.
Comment: HOXA1: BP4, BP7

Labcorp Genetics (formerly Invitae), Labcorp
Classification: Likely benign. Last evaluated: 2018-02-27. Review status: criteria provided, single submitter. Criteria: Invitae Variant Classification Sherloc (09022015). Collection method: clinical testing. Allele origin: germline.

Ambry Genetics
Classification: Likely benign for Inborn genetic diseases. Last evaluated: 2016-07-26. Review status: criteria provided, single submitter. Criteria: Ambry Variant Classification Scheme 2023. Collection method: clinical testing. Allele origin: germline.

NM_005522.5(HOXA1):c.741G>A (p.Glu247=)

Gene: HOXA1 (homeobox A1; minus strand). Cytogenetic location: 7p15.2.
Variant type: single nucleotide variant.
Coding change: c.741G>A on transcript NM_005522.5 (MANE Select); coding-DNA position 741, G replaced by A.
Protein change: p.Glu247=; no amino-acid change (glutamic acid 247 retained).
Molecular consequence: synonymous variant. On other transcripts: 3 prime UTR variant (1).
Genome position (GRCh38, 1-based): chr7:27,094,707, C>T on the plus strand (G>A on the coding strand, the complement: HOXA1 is on the minus strand). VCF-style: chr7-27094707-C-T. GRCh37 (hg19) VCF-style: chr7-27134326-C-T.
Other names: c.*124G>A (NM_153620.3).
Identifiers: ClinVar variation 359955 (VCV000359955.35), dbSNP rs143597165, ClinGen allele CA4195861.